The following is an entry in ClinVar:

NM_182961.4(SYNE1):c.9807+6G>C

Gene: SYNE1 (spectrin repeat containing nuclear envelope protein 1; minus strand). Cytogenetic location: 6q25.2.
Variant type: single nucleotide variant.
Coding change: c.9807+6G>C on transcript NM_182961.4 (MANE Select); 6 bases into the intron after coding-DNA position 9807, G replaced by C.
Molecular consequence: intron variant.
Genome position (GRCh38, 1-based): chr6:152,368,966, C>G on the plus strand (G>C on the coding strand, the complement: SYNE1 is on the minus strand). VCF-style: chr6-152368966-C-G. GRCh37 (hg19) VCF-style: chr6-152690101-C-G.
Other names: c.9828+6G>C (NM_033071.5).
Identifiers: ClinVar variation 513473 (VCV000513473.1), dbSNP rs376694958, ClinGen allele CA658796849.
Genomic context (GRCh38, chr6:152,368,966, plus strand): 5'-ACCTGCTGCAACTCCAATTTTGCGACATCAGTATCACACTCACACACAGCACGTGCCAGG[C>G]GTTACCTTTGTTAAATTGCTTAGCGCTAGATACTGAGAAGACAGCTGCGACACTCTGTGC-3'

ClinVar aggregate classification (germline): Likely benign (1 of 4 stars; one submission).

gnomAD v4.1: 4 of 1,614,124 alleles (0.00025%); highest among the groups gnomAD compares: African/African-American, 0.004%; no homozygotes.

Submission:

GeneDx
Classification: Likely benign. Last evaluated: 2017-11-21. Review status: criteria provided, single submitter. Criteria: GeneDx Variant Classification (06012015). Collection method: clinical testing. Allele origin: germline. Affected: yes.
Comment: This variant is considered likely benign or benign based on one or more of the following criteria: it is a conservative change, it occurs at a poorly conserved position in the protein, it is predicted to be benign by multiple in silico algorithms, and/or has population frequency not consistent with disease.